The following is an entry in ClinVar:

NM_004408.4(DNM1):c.1867G>T (p.Ala623Ser)

Gene: DNM1 (dynamin 1; plus strand). Cytogenetic location: 9q34.11.
Variant type: single nucleotide variant.
Coding change: c.1867G>T on transcript NM_004408.4 (MANE Select); coding-DNA position 1867, G replaced by T.
Protein change: p.Ala623Ser; replaces alanine 623 with serine.
Molecular consequence: missense variant.
Genome position (GRCh38, 1-based): chr9:128,247,460, G>T. VCF-style: chr9-128247460-G-T. GRCh37 (hg19) VCF-style: chr9-131009739-G-T.
Other names: c.1867G>T, p.Ala623Ser (NM_001005336.3, NM_001288737.2, NM_001288738.2 and 2 more transcripts); short protein forms A623S.
Identifiers: ClinVar variation 2913513 (VCV002913513.3), dbSNP rs1170959842, ClinGen allele CA375028428.
Genomic context (GRCh38, chr9:128,247,460, plus strand): 5'-CTGGAGCTAGCCTGTGAGACACAGGAGGAGGTGGACAGCTGGAAGGCCTCCTTCCTGAGG[G>T]CTGGCGTGTACCCTGAGCGTGTTGGGGTGAGTGGCAGGGCAAGGAGAGGAAGGGCAAGCA-3'
Protein context (NP_004399.2, residues 613-633): VDSWKASFLR[Ala623Ser]GVYPERVGDK

ClinVar aggregate classification (germline): Uncertain significance (1 of 4 stars; one submission).

Conditions:
Developmental and epileptic encephalopathy, 31A. Also called: Epileptic encephalopathy, early infantile, 31; Developmental and epileptic encephalopathy, 31. Identifiers: Orphanet 2382, MedGen C4225357, MONDO:0014598, OMIM 616346.

Allele frequency attached by ClinVar (database versions not stated): gnomAD exomes below 0.00001; TOPMed 0.00001; gnomAD 0.00002.

Submission:

Labcorp Genetics (formerly Invitae), Labcorp
Classification: Uncertain significance for Developmental and epileptic encephalopathy, 31A. Last evaluated: 2025-02-24. Review status: criteria provided, single submitter. Criteria: Invitae Variant Classification Sherloc (09022015). Collection method: clinical testing. Allele origin: germline.
Comment: This sequence change replaces alanine, which is neutral and non-polar, with serine, which is neutral and polar, at codon 623 of the DNM1 protein (p.Ala623Ser). This variant is present in population databases (no rsID available, gnomAD 0.02%). This variant has not been reported in the literature in individuals affected with DNM1-related conditions. ClinVar contains an entry for this variant (Variation ID: 2913513). Invitae Evidence Modeling of protein sequence and biophysical properties (such as structural, functional, and spatial information, amino acid conservation, physicochemical variation, residue mobility, and thermodynamic stability) indicates that this missense variant is expected to disrupt DNM1 protein function with a positive predictive value of 80%. In summary, the available evidence is currently insufficient to determine the role of this variant in disease. Therefore, it has been classified as a Variant of Uncertain Significance.